The following is an entry in ClinVar:

ClinVar aggregate classification (germline): Likely pathogenic (1 of 4 stars; one submission).

Conditions:
KISS1R-related disorder. Also called: KISS1R-related condition.

Submission:

PreventionGenetics, part of Exact Sciences
Classification: Likely pathogenic for KISS1R-related condition. Last evaluated: 2026-06-16. Review status: criteria provided, single submitter. Criteria: ACMG Guidelines, 2015. Collection method: clinical testing. Allele origin: germline.
Comment: The KISS1R c.500G>A variant is predicted to result in premature protein termination (p.Trp167*). To our knowledge, this variant has not been reported in the literature or in a large population database (gnomAD), indicating this variant is rare. Nonsense variants in KISS1R are expected to be pathogenic. This variant is interpreted as likely pathogenic.

NM_032551.5(KISS1R):c.500G>A (p.Trp167Ter)

Gene: KISS1R (KISS1 receptor; plus strand). Cytogenetic location: 19p13.3.
Variant type: single nucleotide variant.
Coding change: c.500G>A on transcript NM_032551.5 (MANE Select); coding-DNA position 500, G replaced by A.
Protein change: p.Trp167Ter; replaces tryptophan 167 with a stop codon.
Molecular consequence: nonsense.
Genome position (GRCh38, 1-based): chr19:919,620, G>A. VCF-style: chr19-919620-G-A. GRCh37 (hg19) VCF-style: chr19-919620-G-A.
Other names: short protein forms W167*.
Identifiers: ClinVar variation 4996681 (VCV004996681.1).
Genomic context (GRCh38, chr19:919,620, plus strand): 5'-CGTTGCGCGCCCTGCACCGCCGCACGCCCCGCCTGGCGCTGGCTGTCAGCCTCAGCATCT[G>A]GGTAGGTGAGTACAGCTCAGGGGCCTCACGGGAGAAGGCGGACACGTCCTAGTGCCCTGG-3'